The following is an entry in ClinVar:

ClinVar aggregate classification (germline): Pathogenic. Review status: criteria provided, single submitter (1 of 4 stars). 2 submissions from 2 submitters: Pathogenic (1). 1 of the submissions does not count toward it. Last evaluated 2023-12-30.

Conditions:
Junctional epidermolysis bullosa gravis of Herlitz. Also called: Epidermolysis Bullosa Letalis; Herlitz-type junctional epidermolysis bullosa; EPIDERMOLYSIS BULLOSA, JUNCTIONAL 1B, SEVERE; EPIDERMOLYSIS BULLOSA JUNCTIONALIS, HERLITZ TYPE; EPIDERMOLYSIS BULLOSA, JUNCTIONAL, HERLITZ-PEARSON TYPE; JEB-HERLITZ TYPE. Identifiers: Orphanet 79404, MedGen C0079683, MONDO:0009182, OMIM 226700.

Submissions (2):

Labcorp Genetics (formerly Invitae), Labcorp
Classification: Pathogenic. Last evaluated: 2023-12-30. Review status: criteria provided, single submitter. Criteria: Invitae Variant Classification Sherloc (09022015). Collection method: clinical testing. Allele origin: germline.
Comment: This sequence change creates a premature translational stop signal (p.Val560Cysfs*39) in the LAMA3 gene. It is expected to result in an absent or disrupted protein product. Loss-of-function variants in LAMA3 are known to be pathogenic (PMID: 10366601, 11810295, 12915477, 16473856, 17362460, 22434185, 23869449, 27827380, 28087116). This variant is not present in population databases (gnomAD no frequency). This premature translational stop signal has been observed in individual(s) with junctional epidermolysis bullosa (PMID: 12943669). This variant is also known as 1644delG. ClinVar contains an entry for this variant (Variation ID: 370424). For these reasons, this variant has been classified as Pathogenic.

Counsyl
Classification: Likely pathogenic for Junctional epidermolysis bullosa gravis of Herlitz. Last evaluated: 2016-02-05. Review status: no assertion criteria provided. Collection method: clinical testing. Allele origin: unknown. Not counted in ClinVar's aggregate classification.

Literature cited by the submitters: PubMed 10366601 (cited by Labcorp Genetics (formerly Invitae), Labcorp); PubMed 11810295 (cited by Labcorp Genetics (formerly Invitae), Labcorp); PubMed 12915477 (cited by Labcorp Genetics (formerly Invitae), Labcorp); PubMed 16473856 (cited by Labcorp Genetics (formerly Invitae), Labcorp); PubMed 17362460 (cited by Labcorp Genetics (formerly Invitae), Labcorp); PubMed 22434185 (cited by Labcorp Genetics (formerly Invitae), Labcorp); PubMed 23869449 (cited by Labcorp Genetics (formerly Invitae), Labcorp); PubMed 27827380 (cited by Labcorp Genetics (formerly Invitae), Labcorp); PubMed 28087116 (cited by Labcorp Genetics (formerly Invitae), Labcorp); PubMed 12943669 (cited by Labcorp Genetics (formerly Invitae), Labcorp and Counsyl).

NM_198129.4(LAMA3):c.6505del (p.Val2169fs)

Gene: LAMA3 (laminin subunit alpha 3; plus strand). Cytogenetic location: 18q11.2.
Variant type: Deletion.
Coding change: c.6505del on transcript NM_198129.4 (MANE Select); coding-DNA position 6505, one base deleted (G; older notation c.6505delG).
Protein change: p.Val2169fs; shifts the reading frame from valine 2169.
Molecular consequence: frameshift variant.
Genome position (GRCh38, 1-based): chr18:23,904,584, G deleted; the last of 2 consecutive G bases (chr18:23,904,583-23,904,584); deleting either gives the same sequence. VCF-style (leftmost placement, unchanged base first): chr18-23904582-TG-T. GRCh37 (hg19) VCF-style: chr18-21484546-TG-T.
Other names: c.1678del, p.Val560fs (NM_000227.6); c.6337del, p.Val2113fs (NM_001127717.4); c.1510del, p.Val504fs (NM_001127718.4); short protein forms V504fs, V560fs, V2113fs, V2169fs.
Identifiers: ClinVar variation 370424 (VCV000370424.13), dbSNP rs1057516476, ClinGen allele CA16041936.